The following is an entry in ClinVar:

NM_001379500.1(COL18A1):c.3661_3677del (p.Asp1221fs)

Genes: COL18A1 (collagen type XVIII alpha 1 chain; plus strand), SLC19A1 (solute carrier family 19 member 1; minus strand). Cytogenetic location: 21q22.3.
Variant type: Deletion.
Coding change: c.3661_3677del on transcript NM_001379500.1 (MANE Select); coding-DNA positions 3661 to 3677, 17 bases deleted (GACCGCGCAGCCGTGCC).
Protein change: p.Asp1221fs; shifts the reading frame from aspartic acid 1221.
Molecular consequence: frameshift variant.
Genome position (GRCh38, 1-based): chr21:45,510,229-45,510,245, GACCGCGCAGCCGTGCC deleted; deleting any 17 consecutive bases within chr21:45,510,221-45,510,245 gives the same sequence; the c. name uses the placement nearest the transcript's 3' end. VCF-style (leftmost placement, unchanged base first): chr21-45510220-CGCCGTGCCGACCGCGCA-C. GRCh37 (hg19) VCF-style: chr21-46930134-CGCCGTGCCGACCGCGCA-C.
Other names: c.4192_4208del, p.Asp1398fs (NM_030582.4); c.4897_4913del, p.Asp1633fs (NM_130444.3); short protein forms D1221fs, D1398fs, D1633fs.
Identifiers: ClinVar variation 1452679 (VCV001452679.1), dbSNP rs1323772321, ClinGen allele CA638497133.

ClinVar aggregate classification (germline): Pathogenic (1 of 4 stars; one submission).

Submission:

Labcorp Genetics (formerly Invitae), Labcorp
Classification: Pathogenic. Last evaluated: 2021-03-26. Review status: criteria provided, single submitter. Criteria: Invitae Variant Classification Sherloc (09022015). Collection method: clinical testing. Allele origin: germline.
Comment: This sequence change creates a premature translational stop signal (p.Asp1218Hisfs*21) in the COL18A1 gene. It is expected to result in an absent or disrupted protein product. Loss-of-function variants in COL18A1 are known to be pathogenic (PMID: 12415512, 25456301). This variant is not present in population databases (ExAC no frequency). This variant has not been reported in the literature in individuals with COL18A1-related conditions. For these reasons, this variant has been classified as Pathogenic.

Literature cited by the submitters: PubMed 12415512; PubMed 25456301.